The following is an entry in ClinVar:

NM_004656.4(BAP1):c.577C>T (p.His193Tyr)

Gene: BAP1 (BRCA1 associated deubiquitinase 1; minus strand). Cytogenetic location: 3p21.1.
Variant type: single nucleotide variant.
Coding change: c.577C>T on transcript NM_004656.4 (MANE Select); coding-DNA position 577, C replaced by T.
Protein change: p.His193Tyr; replaces histidine 193 with tyrosine.
Molecular consequence: missense variant.
Genome position (GRCh38, 1-based): chr3:52,407,177, G>A on the plus strand (C>T on the coding strand, the complement: BAP1 is on the minus strand). VCF-style: chr3-52407177-G-A. GRCh37 (hg19) VCF-style: chr3-52441193-G-A.
Other names: c.577C>T, p.His193Tyr (NM_001410772.1); short protein forms H193Y.
Identifiers: ClinVar variation 1749597 (VCV001749597.7), dbSNP rs2153227764, ClinGen allele CA353109358.

ClinVar aggregate classification (germline): Uncertain significance. Review status: criteria provided, multiple submitters, no conflicts (2 of 4 stars). 2 submissions from 2 submitters: Uncertain significance (2). Last evaluated 2022-06-20.

Conditions:
Hereditary cancer-predisposing syndrome. Also called: Hereditary Cancer Syndrome; Hereditary neoplastic syndrome; Neoplastic Syndromes, Hereditary; Tumor predisposition. Identifiers: Orphanet 140162, MedGen C0027672, MeSH D009386, MONDO:0015356.
BAP1-related tumor predisposition syndrome (TPDS1). Also called: Tumor susceptibility linked to germline BAP1 mutations; COMMON Syndrome; TUMOR PREDISPOSITION SYNDROME 1; BAP1 tumor predisposition syndrome. Identifiers: Orphanet 289539, MedGen C3280492, MONDO:0013692, OMIM 614327.

Submissions (2):

Labcorp Genetics (formerly Invitae), Labcorp
Classification: Uncertain significance for BAP1-related tumor predisposition syndrome. Last evaluated: 2022-06-20. Review status: criteria provided, single submitter. Criteria: Invitae Variant Classification Sherloc (09022015). Collection method: clinical testing. Allele origin: germline.
Comment: Algorithms developed to predict the effect of missense changes on protein structure and function are either unavailable or do not agree on the potential impact of this missense change (SIFT: "Tolerated"; PolyPhen-2: "Probably Damaging"; Align-GVGD: "Class C0"). In summary, the available evidence is currently insufficient to determine the role of this variant in disease. Therefore, it has been classified as a Variant of Uncertain Significance. This variant has not been reported in the literature in individuals affected with BAP1-related conditions. This variant is not present in population databases (gnomAD no frequency). This sequence change replaces histidine, which is basic and polar, with tyrosine, which is neutral and polar, at codon 193 of the BAP1 protein (p.His193Tyr).

Ambry Genetics
Classification: Uncertain significance for Hereditary cancer-predisposing syndrome. Last evaluated: 2021-08-10. Review status: criteria provided, single submitter. Criteria: Ambry Variant Classification Scheme 2023. Collection method: clinical testing. Allele origin: germline.
Comment: The p.H193Y variant (also known as c.577C>T), located in coding exon 7 of the BAP1 gene, results from a C to T substitution at nucleotide position 577. The histidine at codon 193 is replaced by tyrosine, an amino acid with similar properties. This amino acid position is highly conserved in available vertebrate species. In addition, this alteration is predicted to be deleterious by in silico analysis. Since supporting evidence is limited at this time, the clinical significance of this alteration remains unclear.